The following is an entry in ClinVar:

ClinVar aggregate classification (germline): Pathogenic (1 of 4 stars; one submission).

Conditions:
Mucopolysaccharidosis, MPS-II (MPS2). Also called: Hunter Syndrome; IDURONATE 2-SULFATASE DEFICIENCY; Mucopolysaccharidosis Type II; Mucopolysaccharidosis type 2; Attenuated MPS (subtype; formerly known as mild MPS II); Severe MPS II. Identifiers: Orphanet 580, Orphanet 79388, MedGen C0026705, MONDO:0010674, OMIM 309900.

Submission:

Laboratory of Diagnosis and Therapy of Lysosomal Disorders, University of Padova
Classification: Pathogenic for Mucopolysaccharidosis, MPS-II. Last evaluated: 2024-06-07. Review status: criteria provided, single submitter. Criteria: ACMG Guidelines, 2015. Collection method: literature only. Allele origin: germline. Affected: yes. Observed: 1 variant allele.
Comment: Null variant (PVS1_VeryStrong), De novo (PS2_Moderate), Absent from controls (or at low frequency) in gnomAD database (PM2_Moderate), Patient’s phenotype or family history highly specific for the disease (PP4_Strong)

Classification method: ACMG Guidelines [PMID:25741868] with modifications

Literature cited by the submitters: PubMed 26897145.

NM_000202.8(IDS):c.964C>T (p.Gln322Ter)

Genes: IDS (iduronate 2-sulfatase; minus strand), LOC106050102 (IDS recombination region; plus strand). Cytogenetic location: Xq28.
Variant type: single nucleotide variant.
Coding change: c.964C>T on transcript NM_000202.8 (MANE Select); coding-DNA position 964, C replaced by T.
Protein change: p.Gln322Ter; replaces glutamine 322 with a stop codon.
Molecular consequence: nonsense. On other transcripts: non-coding transcript variant (1).
Genome position (GRCh38, 1-based): chrX:149,490,356, G>A on the plus strand (C>T on the coding strand, the complement: IDS is on the minus strand). VCF-style: chrX-149490356-G-A. GRCh37 (hg19) VCF-style: chrX-148571887-G-A.
Other names: c.694C>T, p.Gln232Ter (NM_001166550.4); c.964C>T, p.Gln322Ter (NM_006123.5); short protein forms Q232*, Q322*.
Identifiers: ClinVar variation 3255893 (VCV003255893.2).